The following is an entry in ClinVar:

NM_003072.5(SMARCA4):c.511C>A (p.Pro171Thr)

Gene: SMARCA4 (SWI/SNF related BAF chromatin remodeling complex subunit ATPase 4; plus strand). Cytogenetic location: 19p13.2.
Variant type: single nucleotide variant.
Coding change: c.511C>A on transcript NM_003072.5 (MANE Select); coding-DNA position 511, C replaced by A.
Protein change: p.Pro171Thr; replaces proline 171 with threonine.
Molecular consequence: missense variant. On other transcripts: non-coding transcript variant (1).
Genome position (GRCh38, 1-based): chr19:10,986,344, C>A. VCF-style: chr19-10986344-C-A. GRCh37 (hg19) VCF-style: chr19-11097020-C-A.
Other names: c.511C>A, p.Pro171Thr (NM_001128844.3, NM_001128845.2, NM_001128846.2 and 5 more transcripts); short protein forms P171T.
Identifiers: ClinVar variation 1515950 (VCV001515950.11), dbSNP rs1599950466, ClinGen allele CA404056194.

ClinVar aggregate classification (germline): Uncertain significance. Review status: criteria provided, multiple submitters, no conflicts (2 of 4 stars). 2 submissions from 2 submitters: Uncertain significance (2). Last evaluated 2024-12-17.

Conditions:
Hereditary cancer-predisposing syndrome. Also called: Tumor predisposition; Neoplastic Syndromes, Hereditary; Hereditary neoplastic syndrome; Hereditary Cancer Syndrome. Identifiers: Orphanet 140162, MedGen C0027672, MeSH D009386, MONDO:0015356.
Rhabdoid tumor predisposition syndrome 2 (RTPS2). Identifiers: Orphanet 231108, Orphanet 69077, MedGen C2750074, MONDO:0013224, OMIM 613325.

Submissions (2):

Ambry Genetics
Classification: Uncertain significance for Hereditary cancer-predisposing syndrome. Last evaluated: 2024-12-17. Review status: criteria provided, single submitter. Criteria: Ambry Variant Classification Scheme 2023. Collection method: clinical testing. Allele origin: germline.
Comment: The p.P171T variant (also known as c.511C>A), located in coding exon 3 of the SMARCA4 gene, results from a C to A substitution at nucleotide position 511. The proline at codon 171 is replaced by threonine, an amino acid with highly similar properties. This amino acid position is highly conserved in available vertebrate species. In addition, the in silico prediction for this alteration is inconclusive. Based on the available evidence, the clinical significance of this variant remains unclear.

Labcorp Genetics (formerly Invitae), Labcorp
Classification: Uncertain significance for Rhabdoid tumor predisposition syndrome 2. Last evaluated: 2023-07-17. Review status: criteria provided, single submitter. Criteria: Invitae Variant Classification Sherloc (09022015). Collection method: clinical testing. Allele origin: germline.
Comment: In summary, the available evidence is currently insufficient to determine the role of this variant in disease. Therefore, it has been classified as a Variant of Uncertain Significance. Advanced modeling of protein sequence and biophysical properties (such as structural, functional, and spatial information, amino acid conservation, physicochemical variation, residue mobility, and thermodynamic stability) has been performed at Invitae for this missense variant, however the output from this modeling did not meet the statistical confidence thresholds required to predict the impact of this variant on SMARCA4 protein function. ClinVar contains an entry for this variant (Variation ID: 1515950). This variant has not been reported in the literature in individuals affected with SMARCA4-related conditions. This variant is not present in population databases (gnomAD no frequency). This sequence change replaces proline, which is neutral and non-polar, with threonine, which is neutral and polar, at codon 171 of the SMARCA4 protein (p.Pro171Thr).